The following is an entry in ClinVar:

NM_000051.4(ATM):c.7709A>G (p.Glu2570Gly)

Genes: ATM (ATM serine/threonine kinase; plus strand), C11orf65 (chromosome 11 open reading frame 65; minus strand). Cytogenetic location: 11q22.3.
Variant type: single nucleotide variant.
Coding change: c.7709A>G on transcript NM_000051.4 (MANE Select); coding-DNA position 7709, A replaced by G.
Protein change: p.Glu2570Gly; replaces glutamic acid 2570 with glycine.
Molecular consequence: missense variant. On other transcripts: intron variant (2).
Genome position (GRCh38, 1-based): chr11:108,331,958, A>G. VCF-style: chr11-108331958-A-G. GRCh37 (hg19) VCF-style: chr11-108202685-A-G.
Other names: c.7709A>G, p.Glu2570Gly (NM_001351834.2); c.641-22887T>C (NM_001330368.2); c.*38+3262T>C (NM_001351110.2); short protein forms E2570G.
Identifiers: ClinVar variation 1760248 (VCV001760248.2), dbSNP rs28904920, ClinGen allele CA228418735.

ClinVar aggregate classification (germline): Uncertain significance (1 of 4 stars; one submission).

Conditions:
Hereditary cancer-predisposing syndrome. Also called: Hereditary neoplastic syndrome; Neoplastic Syndromes, Hereditary; Tumor predisposition; Hereditary Cancer Syndrome. Identifiers: Orphanet 140162, MedGen C0027672, MeSH D009386, MONDO:0015356.

Allele frequency attached by ClinVar (database versions not stated): gnomAD exomes 0.00001.
gnomAD v4.1: 3 of 1,614,112 alleles (0.00019%); highest among the groups gnomAD compares: South Asian, 0.0033%; no homozygotes.

Submission:

Ambry Genetics
Classification: Uncertain significance for Hereditary cancer-predisposing syndrome. Last evaluated: 2020-09-21. Review status: criteria provided, single submitter. Criteria: Ambry Variant Classification Scheme 2023. Collection method: clinical testing. Allele origin: germline.
Comment: The p.E2570G variant (also known as c.7709A>G), located in coding exon 51 of the ATM gene, results from an A to G substitution at nucleotide position 7709. The glutamic acid at codon 2570 is replaced by glycine, an amino acid with similar properties. In a large study of familial breast cancer families, this variant was identified in 1/443 cases and 1/521 controls (Renwick A et al. Nat. Genet., 2006 Aug;38:873-5). This variant was also reported in a meta-analysis as being in In 1/2531 breast cancer cases and 0/2245 controls (Tavtigian SV et al. Am. J. Hum. Genet., 2009 Oct;85:427-46). This amino acid position is well conserved in available vertebrate species. In addition, the in silico prediction for this alteration is inconclusive. Since supporting evidence is limited at this time, the clinical significance of this alteration remains unclear.

Literature cited by the submitters: PubMed 16832357; PubMed 19781682.